The following is an entry in ClinVar:

NM_001375567.1(FOCAD):c.3862G>C (p.Gly1288Arg)

Gene: FOCAD (focadhesin; plus strand). Cytogenetic location: 9p21.3.
Variant type: single nucleotide variant.
Coding change: c.3862G>C on transcript NM_001375567.1 (MANE Select); coding-DNA position 3862, G replaced by C.
Protein change: p.Gly1288Arg; replaces glycine 1288 with arginine.
Molecular consequence: missense variant.
Genome position (GRCh38, 1-based): chr9:20,948,914, G>C. VCF-style: chr9-20948914-G-C. GRCh37 (hg19) VCF-style: chr9-20948913-G-C.
Other names: c.3757G>C, p.Gly1253Arg (NM_001375568.1, NM_001375570.1); c.3862G>C, p.Gly1288Arg (NM_017794.5); short protein forms G1288R, G1253R.
Identifiers: ClinVar variation 2404514 (VCV002404514.3), dbSNP rs142840404, ClinGen allele CA373053899.

ClinVar aggregate classification (germline): Uncertain significance. Review status: criteria provided, multiple submitters, no conflicts (2 of 4 stars). 2 submissions from 2 submitters: Uncertain significance (2). Last evaluated 2025-08-26.

Conditions:
Inborn genetic diseases. Identifiers: MedGen C0950123, MeSH D030342.

gnomAD v4.1: 5 of 1,613,372 alleles (0.00031%); highest among the groups gnomAD compares: Admixed American, 0.005%; no homozygotes.

Submissions (2):

Labcorp Genetics (formerly Invitae), Labcorp
Classification: Uncertain significance. Last evaluated: 2025-08-26. Review status: criteria provided, single submitter. Criteria: Invitae Variant Classification Sherloc (09022015). Collection method: clinical testing. Allele origin: germline.
Comment: This sequence change replaces glycine, which is neutral and non-polar, with arginine, which is basic and polar, at codon 1288 of the FOCAD protein (p.Gly1288Arg). This variant is present in population databases (no rsID available, gnomAD 0.003%). This variant has not been reported in the literature in individuals affected with FOCAD-related conditions. ClinVar contains an entry for this variant (Variation ID: 2404514). Experimental studies and prediction algorithms are not available or were not evaluated, and the functional significance of this variant is currently unknown. In summary, the available evidence is currently insufficient to determine the role of this variant in disease. Therefore, it has been classified as a Variant of Uncertain Significance.

Ambry Genetics
Classification: Uncertain significance for Inborn genetic diseases. Last evaluated: 2021-10-06. Review status: criteria provided, single submitter. Criteria: Ambry Variant Classification Scheme 2023. Collection method: clinical testing. Allele origin: germline.